The following is an entry in ClinVar:

NM_007294.4(BRCA1):c.81-950C>T

Gene: BRCA1 (BRCA1 DNA repair associated; minus strand). Cytogenetic location: 17q21.31.
Variant type: single nucleotide variant.
Coding change: c.81-950C>T on transcript NM_007294.4 (MANE Select); 950 bases into the intron before coding-DNA position 81, C replaced by T.
Molecular consequence: intron variant.
Genome position (GRCh38, 1-based): chr17:43,116,729, G>A on the plus strand (C>T on the coding strand, the complement: BRCA1 is on the minus strand). VCF-style: chr17-43116729-G-A. GRCh37 (hg19) VCF-style: chr17-41268746-G-A.
Other names: IVS 2-950C>T; c.-61-950C>T (NM_001408458.1, NM_001408470.1, NM_001407848.1 and 47 more transcripts); c.-219+8548C>T (NM_001407967.1); c.-170+8548C>T (NM_001407959.1); c.-8+8548C>T (NM_001407931.1, NM_001407747.1); c.-223-950C>T (NM_001407962.1, NM_001408512.1, NM_001408510.1 and 1 more transcripts); c.-108-950C>T (NM_001407885.1, NM_001407886.1, NM_001408509.1 and 52 more transcripts); c.-177-950C>T (NM_001407746.1, NM_001408468.1, NM_001407842.1 and 13 more transcripts); and 12 more.
Identifiers: ClinVar variation 209540 (VCV000209540.2), dbSNP rs8176095, ClinGen allele CA276509.

ClinVar aggregate classification (germline): Benign (3 of 4 stars; one submission).

Conditions:
Breast-ovarian cancer, familial, susceptibility to, 1 (BROVCA1). Also called: BRCA1 Hereditary Breast and Ovarian Cancer; OVARIAN CANCER, SUSCEPTIBILITY TO. Identifiers: Orphanet 145, MedGen C2676676, MONDO:0011450, OMIM 604370. Disease mechanism: loss of function.

Allele frequency attached by ClinVar (database versions not stated): gnomAD 0.01420 and 0.01528; 1000 Genomes Project 0.01558; 1000 Genomes Project 30x 0.01577; TOPMed 0.01628.
gnomAD v4.1: 2,140 of 152,150 alleles (1.4%); highest among the groups gnomAD compares: African/African-American, 4.8%; 53 homozygotes.

Submission:

Evidence-based Network for the Interpretation of Germline Mutant Alleles (ENIGMA)
Classification: Benign for Breast-ovarian cancer, familial 1. Last evaluated: 2015-01-12. Review status: reviewed by expert panel. Criteria: ENIGMA BRCA1/2 Classification Criteria (2015). Collection method: curation. Allele origin: germline.
Comment: Class 1 not pathogenic based on frequency >1% in an outbred sampleset. Frequency 0.08333 (African), derived from 1000 genomes (2012-04-30).